The following is an entry in ClinVar:

NM_000051.4(ATM):c.7492del (p.Ser2498fs)

Genes: ATM (ATM serine/threonine kinase; plus strand), C11orf65 (chromosome 11 open reading frame 65; minus strand). Cytogenetic location: 11q22.3.
Variant type: Deletion.
Coding change: c.7492del on transcript NM_000051.4 (MANE Select); coding-DNA position 7492, one base deleted (T; older notation c.7492delT).
Protein change: p.Ser2498fs; shifts the reading frame from serine 2498.
Molecular consequence: frameshift variant. On other transcripts: intron variant (2).
Genome position (GRCh38, 1-based): chr11:108,330,398, T deleted; the last of 3 consecutive T bases (chr11:108,330,396-108,330,398); deleting any one gives the same sequence. VCF-style (leftmost placement, unchanged base first): chr11-108330395-GT-G. GRCh37 (hg19) VCF-style: chr11-108201122-GT-G.
Other names: c.7492del, p.Ser2498fs (NM_001351834.2); c.641-21325del (NM_001330368.2); c.*38+4824del (NM_001351110.2); short protein forms S2498fs.
Identifiers: ClinVar variation 827082 (VCV000827082.6), dbSNP rs1591161470, ClinGen allele CA915948285.

ClinVar aggregate classification (germline): Pathogenic (1 of 4 stars; one submission).

Conditions:
Hereditary cancer-predisposing syndrome. Also called: Tumor predisposition; Neoplastic Syndromes, Hereditary; Hereditary Cancer Syndrome; Hereditary neoplastic syndrome. Identifiers: Orphanet 140162, MedGen C0027672, MeSH D009386, MONDO:0015356.

Submission:

Ambry Genetics
Classification: Pathogenic for Hereditary cancer-predisposing syndrome. Last evaluated: 2018-09-21. Review status: criteria provided, single submitter. Criteria: Ambry Variant Classification Scheme 2023. Collection method: clinical testing. Allele origin: germline.
Comment: The c.7492delT pathogenic mutation, located in coding exon 49 of the ATM gene, results from a deletion of one nucleotide at nucleotide position 7492, causing a translational frameshift with a predicted alternate stop codon (p.S2498Lfs*6). This alteration is expected to result in loss of function by premature protein truncation or nonsense-mediated mRNA decay. As such, this alteration is interpreted as a disease-causing mutation.